The following is an entry in ClinVar:

ClinVar aggregate classification (germline): Uncertain significance (1 of 4 stars; one submission).

Submission:

GeneDx
Classification: Uncertain significance. Last evaluated: 2024-04-29. Review status: criteria provided, single submitter. Criteria: GeneDx Variant Classification Process June 2021. Collection method: clinical testing. Allele origin: germline. Affected: yes.
Comment: Not observed at significant frequency in large population cohorts (gnomAD); In silico analysis supports that this missense variant has a deleterious effect on protein structure/function; Has not been previously published as pathogenic or benign to our knowledge

NM_001145809.2(MYH14):c.802T>C (p.Ser268Pro)

Gene: MYH14 (myosin heavy chain 14; plus strand). Cytogenetic location: 19q13.33.
Variant type: single nucleotide variant.
Coding change: c.802T>C on transcript NM_001145809.2 (MANE Select); coding-DNA position 802, T replaced by C.
Protein change: p.Ser268Pro; replaces serine 268 with proline.
Molecular consequence: missense variant.
Genome position (GRCh38, 1-based): chr19:50,225,669, T>C. VCF-style: chr19-50225669-T-C. GRCh37 (hg19) VCF-style: chr19-50728926-T-C.
Other names: c.802T>C, p.Ser268Pro (NM_001077186.2); c.778T>C, p.Ser260Pro (NM_024729.4); short protein forms S260P, S268P.
Identifiers: ClinVar variation 3373134 (VCV003373134.1).